The following is an entry in ClinVar:

NM_001018115.3(FANCD2):c.3500G>A (p.Trp1167Ter)

Genes: FANCD2 (FA complementation group D2; plus strand), FANCD2OS (FANCD2 opposite strand; minus strand). Cytogenetic location: 3p25.3.
Variant type: single nucleotide variant.
Coding change: c.3500G>A on transcript NM_001018115.3 (MANE Select); coding-DNA position 3500, G replaced by A.
Protein change: p.Trp1167Ter; replaces tryptophan 1167 with a stop codon.
Molecular consequence: nonsense. On other transcripts: intron variant (1).
Genome position (GRCh38, 1-based): chr3:10,088,482, G>A. VCF-style: chr3-10088482-G-A. GRCh37 (hg19) VCF-style: chr3-10130166-G-A.
Other names: c.3500G>A, p.Trp1167Ter (NM_001319984.2, NM_001374254.1, NM_033084.6); c.3389G>A, p.Trp1130Ter (NM_001374253.1); c.*44-6951C>T (NM_173472.2); short protein forms W1130*, W1167*.
Identifiers: ClinVar variation 1322883 (VCV001322883.7), dbSNP rs2125076610, ClinGen allele CA351752932.

ClinVar aggregate classification (germline): Pathogenic. Review status: criteria provided, multiple submitters, no conflicts (2 of 4 stars). 2 submissions from 2 submitters: Pathogenic (2). Last evaluated 2025-08-17.

Conditions:
Fanconi anemia complementation group D2. Also called: FANCD2-Related Fanconi Anemia; FANCONI PANCYTOPENIA, TYPE 4; FANCONI ANEMIA, COMPLEMENTATION GROUP D. Identifiers: Orphanet 84, MedGen C3160738, MONDO:0009214, OMIM 227646.
Fanconi anemia (FA). Also called: Fanconi's anemia. Identifiers: Orphanet 84, MedGen C0015625, MeSH D005199, MONDO:0019391.

Allele frequency attached by ClinVar (database versions not stated): gnomAD exomes below 0.00001.
gnomAD v4.1: 1 of 1,612,262 alleles (0.000062%); highest among the groups gnomAD compares: African/African-American, 0.0013%; no homozygotes.

Submissions (2):

Labcorp Genetics (formerly Invitae), Labcorp
Classification: Pathogenic for Fanconi anemia. Last evaluated: 2025-08-17. Review status: criteria provided, single submitter. Criteria: Invitae Variant Classification Sherloc (09022015). Collection method: clinical testing. Allele origin: germline.
Comment: This sequence change creates a premature translational stop signal (p.Trp1167*) in the FANCD2 gene. It is expected to result in an absent or disrupted protein product. Loss-of-function variants in FANCD2 are known to be pathogenic (PMID: 17436244). This variant is not present in population databases (gnomAD no frequency). This variant has not been reported in the literature in individuals affected with FANCD2-related conditions. ClinVar contains an entry for this variant (Variation ID: 1322883). For these reasons, this variant has been classified as Pathogenic.

Revvity Omics, Revvity
Classification: Pathogenic for Fanconi anemia complementation group D2. Last evaluated: 2019-03-25. Review status: criteria provided, single submitter. Criteria: ACMG Guidelines, 2015. Collection method: clinical testing. Allele origin: germline.

Literature cited by the submitters: PubMed 17436244 (cited by Labcorp Genetics (formerly Invitae), Labcorp).